The following is an entry in ClinVar:

NM_133510.4(RAD51B):c.316-15_316-3del

Gene: RAD51B (RAD51 paralog B; plus strand). Cytogenetic location: 14q24.1.
Variant type: Deletion.
Coding change: c.316-15_316-3del on transcript NM_133510.4 (MANE Select); 15 bases into the intron before coding-DNA position 316 through 3 bases into the intron before coding-DNA position 316, 13 bases deleted (TTTTTTTTTTTTT).
Molecular consequence: intron variant.
Genome position (GRCh38, 1-based): chr14:67,864,988-67,865,000, TTTTTTTTTTTTT deleted; deleting any 13 consecutive bases within chr14:67,864,962-67,865,000 gives the same sequence; the c. name uses the placement nearest the transcript's 3' end. VCF-style (leftmost placement, unchanged base first): chr14-67864961-CTTTTTTTTTTTTT-C. GRCh37 (hg19) VCF-style: chr14-68331678-CTTTTTTTTTTTTT-C.
Other names: c.316-15_316-3del (NM_001321818.2, NM_001321809.2, NM_001321821.2 and 6 more transcripts); c.-42-15_-42-3del (NM_001321817.2); c.202-15_202-3del (NM_001321815.1).
Identifiers: ClinVar variation 3037983 (VCV003037983.9), dbSNP rs745505141, ClinGen allele CA707973661.

ClinVar aggregate classification (germline): Likely benign. Review status: criteria provided, single submitter (1 of 4 stars). 2 submissions from 2 submitters: Likely benign (1). 1 of the submissions does not count toward it. Last evaluated 2025-04-01.

Conditions:
RAD51B-related disorder. Also called: RAD51B-related condition.

Submissions (2):

CeGaT Center for Human Genetics Tuebingen
Classification: Likely benign. Last evaluated: 2025-04-01. Review status: criteria provided, single submitter. Criteria: CeGaT Center For Human Genetics Tuebingen Variant Classification Criteria Version 2. Collection method: clinical testing. Allele origin: germline. Affected: yes. Observed: 1 variant allele.
Comment: RAD51B: BS2

PreventionGenetics, part of Exact Sciences
Classification: Likely benign for RAD51B-related condition. Last evaluated: 2019-05-03. Review status: no assertion criteria provided. Collection method: clinical testing. Allele origin: germline. Not counted in ClinVar's aggregate classification.
Comment: This variant is classified as likely benign based on ACMG/AMP sequence variant interpretation guidelines (Richards et al. 2015 PMID: 25741868, with internal and published modifications).